The following is an entry in ClinVar:

ClinVar aggregate classification (germline): Uncertain significance (1 of 4 stars; one submission).

Conditions:
Immunodeficiency 132A. Also called: Herpes simplex encephalitis, susceptibility to, 3. Identifiers: Orphanet 1930, MedGen C3553868, MONDO:0013920, OMIM 614849.

Submission:

Labcorp Genetics (formerly Invitae), Labcorp
Classification: Uncertain significance for Herpes simplex encephalitis, susceptibility to, 3. Last evaluated: 2018-05-24. Review status: criteria provided, single submitter. Criteria: Invitae Variant Classification Sherloc (09022015). Collection method: clinical testing. Allele origin: germline.
Comment: This variant results in a copy number gain of the genomic region encompassing the full coding sequence of the TRAF3 gene. The boundaries of this event are unknown as they extend beyond the assayed region for this gene and therefore may encompass additional genes. As the precise location of this event is unknown, it may be in tandem or it may be located elsewhere in the genome. This variant has not been reported in the literature in individuals with TRAF3-related disease. In summary, the available evidence is currently insufficient to determine the role of this variant in disease. Therefore, it has been classified as a Variant of Uncertain Significance.

NC_000014.8:g.(?_103336519)_(103397037_?)dup

Genes: AMN (amnion associated transmembrane protein; plus strand), TRAF3 (TNF receptor associated factor 3; plus strand), LOC126862065 (BRD4-independent group 4 enhancer GRCh37_chr14:103352003-103353202; plus strand), LOC130056550 (ATAC-STARR-seq lymphoblastoid active region 9091; plus strand), LOC130056551 (ATAC-STARR-seq lymphoblastoid active region 9092; plus strand) and 3 more. Cytogenetic location: 14q32.32.
Variant type: Duplication.
Identifiers: ClinVar variation 540505 (VCV000540505.2).